The following is an entry in ClinVar:

ClinVar aggregate classification (germline): Conflicting classifications of pathogenicity. Review status: criteria provided, conflicting classifications (1 of 4 stars). 3 submissions from 3 submitters: Uncertain significance (1); Likely benign (2). Last evaluated 2025-05-01.

Conditions:
Inborn genetic diseases. Identifiers: MedGen C0950123, MeSH D030342.
Developmental and epileptic encephalopathy, 12 (DEE12). Identifiers: MedGen C3150988, MONDO:0013389, OMIM 613722.

Allele frequency attached by ClinVar (database versions not stated): ExAC 0.00003; gnomAD exomes 0.00005; ESP Exome Variant Server 0.00008; TOPMed 0.00008; gnomAD 0.00012; 1000 Genomes Project 30x 0.00016; 1000 Genomes Project 0.00020.
gnomAD v4.1: 96 of 1,608,724 alleles (0.006%); highest among the groups gnomAD compares: African/African-American, 0.015%; no homozygotes.

Submissions (3):

Ambry Genetics
Classification: Likely benign for Inborn genetic diseases. Last evaluated: 2025-05-01. Review status: criteria provided, single submitter. Criteria: Ambry Variant Classification Scheme 2023. Collection method: clinical testing. Allele origin: germline.

Blueprint Genetics
Classification: Likely benign. Last evaluated: 2024-01-24. Review status: criteria provided, single submitter. Criteria: ACMG Guidelines, 2015. Collection method: clinical testing. Allele origin: germline.

Labcorp Genetics (formerly Invitae), Labcorp
Classification: Uncertain significance for Developmental and epileptic encephalopathy, 12. Last evaluated: 2022-10-13. Review status: criteria provided, single submitter. Criteria: Invitae Variant Classification Sherloc (09022015). Collection method: clinical testing. Allele origin: germline.
Comment: This sequence change replaces threonine, which is neutral and polar, with methionine, which is neutral and non-polar, at codon 785 of the PLCB1 protein (p.Thr785Met). This variant is present in population databases (rs202199288, gnomAD 0.02%). This variant has not been reported in the literature in individuals affected with PLCB1-related conditions. ClinVar contains an entry for this variant (Variation ID: 588364). Advanced modeling of protein sequence and biophysical properties (such as structural, functional, and spatial information, amino acid conservation, physicochemical variation, residue mobility, and thermodynamic stability) performed at Invitae indicates that this missense variant is not expected to disrupt PLCB1 protein function. In summary, the available evidence is currently insufficient to determine the role of this variant in disease. Therefore, it has been classified as a Variant of Uncertain Significance.

NM_015192.4(PLCB1):c.2354C>T (p.Thr785Met)

Gene: PLCB1 (phospholipase C beta 1; plus strand). Cytogenetic location: 20p12.3.
Variant type: single nucleotide variant.
Coding change: c.2354C>T on transcript NM_015192.4 (MANE Select); coding-DNA position 2354, C replaced by T.
Protein change: p.Thr785Met; replaces threonine 785 with methionine.
Molecular consequence: missense variant.
Genome position (GRCh38, 1-based): chr20:8,740,389, C>T. VCF-style: chr20-8740389-C-T. GRCh37 (hg19) VCF-style: chr20-8721036-C-T.
Other names: c.2354C>T, p.Thr785Met (NM_182734.3); short protein forms T785M.
Identifiers: ClinVar variation 588364 (VCV000588364.13), dbSNP rs202199288, ClinGen allele CA9760210.
Genomic context (GRCh38, chr20:8,740,389, plus strand): 5'-ATTCTCACCTTCCAGGCTATCACTATATCTGTCTAAGGAATGAAAGGAACCAGCCTCTGA[C>T]GCTGCCTGCTGTCTTTGTCTACATAGAAGTGAAAGACTATGTGCCAGACACATATGCAGG-3'
Protein context (NP_056007.1, residues 775-795): CLRNERNQPL[Thr785Met]LPAVFVYIEV